The following is an entry in ClinVar:

ClinVar aggregate classification (germline): Uncertain significance (1 of 4 stars; one submission).

Conditions:
Muscle AMP deaminase deficiency (MMDD). Also called: Myoadenylate deaminase deficiency, myopathy due to; Adenosine monophosphate deaminase 1 deficiency; AMP deaminase 1 deficiency; Adenosine Monophosphate Deaminase 1; ADENOSINE MONOPHOSPHATE DEAMINASE-1 DEFICIENCY, MYOPATHY DUE TO; AMPD1 DEFICIENCY. Identifiers: Orphanet 45, MedGen C3714933, MONDO:0014220, OMIM 615511.

Allele frequency attached by ClinVar (database versions not stated): gnomAD exomes 0.00001; TOPMed 0.00001; gnomAD 0.00003.
gnomAD v4.1: 7 of 1,613,942 alleles (0.00043%); highest among the groups gnomAD compares: Admixed American, 0.012%; no homozygotes.

Submission:

Labcorp Genetics (formerly Invitae), Labcorp
Classification: Uncertain significance for Muscle AMP deaminase deficiency. Last evaluated: 2022-07-29. Review status: criteria provided, single submitter. Criteria: Invitae Variant Classification Sherloc (09022015). Collection method: clinical testing. Allele origin: germline.
Comment: This variant has not been reported in the literature in individuals affected with AMPD1-related conditions. This sequence change replaces serine, which is neutral and polar, with proline, which is neutral and non-polar, at codon 159 of the AMPD1 protein (p.Ser159Pro). This variant is present in population databases (no rsID available, gnomAD 0.009%). ClinVar contains an entry for this variant (Variation ID: 1410944). Algorithms developed to predict the effect of missense changes on protein structure and function are either unavailable or do not agree on the potential impact of this missense change (SIFT: "Deleterious"; PolyPhen-2: "Possibly Damaging"; Align-GVGD: "Class C0"). In summary, the available evidence is currently insufficient to determine the role of this variant in disease. Therefore, it has been classified as a Variant of Uncertain Significance.

NM_000036.3(AMPD1):c.376T>C (p.Ser126Pro)

Gene: AMPD1 (adenosine monophosphate deaminase 1; minus strand). Cytogenetic location: 1p13.2.
Variant type: single nucleotide variant.
Coding change: c.376T>C on transcript NM_000036.3 (MANE Select); coding-DNA position 376, T replaced by C.
Protein change: p.Ser126Pro; replaces serine 126 with proline.
Molecular consequence: missense variant.
Genome position (GRCh38, 1-based): chr1:114,686,750, A>G on the plus strand (T>C on the coding strand, the complement: AMPD1 is on the minus strand). VCF-style: chr1-114686750-A-G. GRCh37 (hg19) VCF-style: chr1-115229371-A-G.
Other names: c.364T>C, p.Ser122Pro (NM_001172626.2); short protein forms S122P, S126P.
Identifiers: ClinVar variation 1410944 (VCV001410944.8), dbSNP rs1183959177, ClinGen allele CA341753229.